The following is an entry in ClinVar:

ClinVar aggregate classification (germline): Uncertain significance. Review status: criteria provided, multiple submitters, no conflicts (2 of 4 stars). 2 submissions from 2 submitters: Uncertain significance (2). Last evaluated 2022-02-15.

Conditions:
POLD1-related polyposis and colorectal cancer syndrome (CRCS10). Also called: Colorectal cancer, susceptibility to, 10; Colorectal cancer 10; COLORECTAL CANCER, SUSCEPTIBILITY TO, ON CHROMOSOME 19q. Identifiers: Orphanet 220460, MedGen C2675481, MONDO:0012953, OMIM 612591.
Mandibular hypoplasia-deafness-progeroid syndrome. Also called: Mandibular hypoplasia, deafness, progeroid features, and lipodystrophy syndrome. Identifiers: Orphanet 363649, MedGen C3715192, MONDO:0014157, OMIM 615381.
Hereditary cancer-predisposing syndrome. Also called: Tumor predisposition; Hereditary Cancer Syndrome; Hereditary neoplastic syndrome; Neoplastic Syndromes, Hereditary. Identifiers: Orphanet 140162, MedGen C0027672, MeSH D009386, MONDO:0015356.

Submissions (2):

Ambry Genetics
Classification: Uncertain significance for Hereditary cancer-predisposing syndrome. Last evaluated: 2022-02-15. Review status: criteria provided, single submitter. Criteria: Ambry Variant Classification Scheme 2023. Collection method: clinical testing. Allele origin: germline.
Comment: The p.S737F variant (also known as c.2210C>T), located in coding exon 17 of the POLD1 gene, results from a C to T substitution at nucleotide position 2210. The serine at codon 737 is replaced by phenylalanine, an amino acid with highly dissimilar properties. This amino acid position is conserved. In addition, this alteration is predicted to be tolerated by in silico analysis. Since supporting evidence is limited at this time, the clinical significance of this alteration remains unclear.

Labcorp Genetics (formerly Invitae), Labcorp
Classification: Uncertain significance for POLD1-related polyposis and colorectal cancer syndrome. Last evaluated: 2021-12-08. Review status: criteria provided, single submitter. Criteria: Invitae Variant Classification Sherloc (09022015). Collection method: clinical testing. Allele origin: germline.
Comment: In summary, the available evidence is currently insufficient to determine the role of this variant in disease. Therefore, it has been classified as a Variant of Uncertain Significance. Algorithms developed to predict the effect of missense changes on protein structure and function are either unavailable or do not agree on the potential impact of this missense change (SIFT: "Deleterious"; PolyPhen-2: "Possibly Damaging"; Align-GVGD: "Class C0"). This sequence change replaces serine, which is neutral and polar, with phenylalanine, which is neutral and non-polar, at codon 737 of the POLD1 protein (p.Ser737Phe). This variant is not present in population databases (gnomAD no frequency). This variant has not been reported in the literature in individuals affected with POLD1-related conditions.

NM_002691.4(POLD1):c.2210C>T (p.Ser737Phe)

Gene: POLD1 (DNA polymerase delta 1, catalytic subunit; plus strand). Cytogenetic location: 19q13.33.
Variant type: single nucleotide variant.
Coding change: c.2210C>T on transcript NM_002691.4 (MANE Select); coding-DNA position 2210, C replaced by T.
Protein change: p.Ser737Phe; replaces serine 737 with phenylalanine.
Molecular consequence: missense variant. On other transcripts: non-coding transcript variant (1).
Genome position (GRCh38, 1-based): chr19:50,413,481, C>T. VCF-style: chr19-50413481-C-T. GRCh37 (hg19) VCF-style: chr19-50916738-C-T.
Other names: c.2210C>T, p.Ser737Phe (NM_001256849.1); c.2288C>T, p.Ser763Phe (NM_001308632.1); c.2210C>T (NM_002691.3); short protein forms S737F, S763F.
Identifiers: ClinVar variation 1396417 (VCV001396417.9), dbSNP rs2122438710, ClinGen allele CA406983676.